The following is an entry in ClinVar:

ClinVar aggregate classification (germline): Conflicting classifications of pathogenicity. Review status: criteria provided, conflicting classifications (1 of 4 stars). 7 submissions from 7 submitters: Uncertain significance (1); Likely benign (4). 2 of the submissions do not count toward it. Last evaluated 2026-07-01.

Conditions:
Primary immunodeficiency with natural-killer cell deficiency and adrenal insufficiency (IMD54). Also called: IMMUNODEFICIENCY 54; Natural killer cell and glucocorticoid deficiency with DNA repair defect. Identifiers: Orphanet 75391, MedGen C1864947, MONDO:0012383, OMIM 609981.

Allele frequency attached by ClinVar (database versions not stated): 1000 Genomes Project 0.00080; 1000 Genomes Project 30x 0.00109; ExAC 0.00169; gnomAD exomes 0.00183; gnomAD 0.00197 and 0.00202; TOPMed 0.00215; ESP Exome Variant Server 0.00231.
gnomAD v4.1: 3,779 of 1,614,104 alleles (0.23%); highest among the groups gnomAD compares: Admixed American, 0.33%; 9 homozygotes.

Submissions (7):

CeGaT Center for Human Genetics Tuebingen
Classification: Likely benign. Last evaluated: 2026-07-01. Review status: criteria provided, single submitter. Criteria: CeGaT Center For Human Genetics Tuebingen Variant Classification Criteria Version 2. Collection method: clinical testing. Allele origin: germline. Affected: yes. Observed: 5 variant alleles.
Comment: MCM4: BS2

Labcorp Genetics (formerly Invitae), Labcorp
Classification: Likely benign. Last evaluated: 2026-02-01. Review status: criteria provided, single submitter. Criteria: Invitae Variant Classification Sherloc (09022015). Collection method: clinical testing. Allele origin: germline.

Blueprint Genetics
Classification: Likely benign. Last evaluated: 2024-11-22. Review status: criteria provided, single submitter. Criteria: ACMG Guidelines, 2015. Collection method: clinical testing. Allele origin: germline.

Baylor Genetics
Classification: Uncertain significance for Primary immunodeficiency with natural-killer cell deficiency and adrenal insufficiency. Last evaluated: 2020-11-19. Review status: criteria provided, single submitter. Criteria: ACMG Guidelines, 2015. Collection method: clinical testing. Allele origin: unknown. Affected: yes.
Comment: This variant was determined to be of uncertain significance according to ACMG Guidelines, 2015 [PMID:25741868].

Illumina Laboratory Services, Illumina
Classification: Likely benign for Primary immunodeficiency with natural-killer cell deficiency and adrenal insufficiency. Last evaluated: 2018-01-13. Review status: criteria provided, single submitter. Criteria: ICSL Variant Classification Criteria 13 December 2019. Collection method: clinical testing. Allele origin: germline.
Comment: This variant was observed in the ICSL laboratory as part of a predisposition screen in an ostensibly healthy population. It had not been previously curated by ICSL or reported in the Human Gene Mutation Database (HGMD: prior to June 1st, 2018), and was therefore a candidate for classification through an automated scoring system. Utilizing variant allele frequency, disease prevalence and penetrance estimates, and inheritance mode, an automated score was calculated to assess if this variant is too frequent to cause the disease. Based on the score and internal cut-off values, a variant classified as likely benign is not then subjected to further curation. The score for this variant resulted in a classification of likely benign for this disease.

Clinical Genetics DNA and cytogenetics Diagnostics Lab, Erasmus MC, Erasmus Medical Center
Classification: Uncertain significance. Review status: no assertion criteria provided. Collection method: clinical testing. Allele origin: germline. Affected: yes. Study: VKGL Data-share Consensus. Not counted in ClinVar's aggregate classification.

Diagnostic Laboratory, Department of Genetics, University Medical Center Groningen
Classification: Uncertain significance. Review status: no assertion criteria provided. Collection method: clinical testing. Allele origin: germline. Affected: yes. Study: VKGL Data-share Consensus. Not counted in ClinVar's aggregate classification.

NM_182746.3(MCM4):c.1406G>C (p.Ser469Thr)

Gene: MCM4 (minichromosome maintenance complex component 4; plus strand). Cytogenetic location: 8q11.21.
Variant type: single nucleotide variant.
Coding change: c.1406G>C on transcript NM_182746.3 (MANE Select); coding-DNA position 1406, G replaced by C.
Protein change: p.Ser469Thr; replaces serine 469 with threonine.
Molecular consequence: missense variant.
Genome position (GRCh38, 1-based): chr8:47,970,029, G>C. VCF-style: chr8-47970029-G-C. GRCh37 (hg19) VCF-style: chr8-48882589-G-C.
Other names: c.1406G>C, p.Ser469Thr (NM_005914.4); short protein forms S469T.
Identifiers: ClinVar variation 718626 (VCV000718626.49), dbSNP rs117063344, ClinGen allele CA4742601.